The following is an entry in ClinVar:

ClinVar aggregate classification (germline): Uncertain significance (1 of 4 stars; one submission).

Submission:

GeneDx
Classification: Uncertain significance. Last evaluated: 2023-08-01. Review status: criteria provided, single submitter. Criteria: GeneDx Variant Classification Process June 2021. Collection method: clinical testing. Allele origin: germline. Affected: yes.
Comment: Not observed at significant frequency in large population cohorts (gnomAD); In silico analysis supports that this missense variant does not alter protein structure/function; Has not been previously published as pathogenic or benign to our knowledge

NM_012310.5(KIF4A):c.1115C>G (p.Thr372Ser)

Gene: KIF4A (kinesin family member 4A; plus strand). Cytogenetic location: Xq13.1.
Variant type: single nucleotide variant.
Coding change: c.1115C>G on transcript NM_012310.5 (MANE Select); coding-DNA position 1115, C replaced by G.
Protein change: p.Thr372Ser; replaces threonine 372 with serine.
Molecular consequence: missense variant.
Genome position (GRCh38, 1-based): chrX:70,333,671, C>G. VCF-style: chrX-70333671-C-G. GRCh37 (hg19) VCF-style: chrX-69553521-C-G.
Other names: short protein forms T372S.
Identifiers: ClinVar variation 3361589 (VCV003361589.1).